The following is an entry in ClinVar:

NM_000539.3(RHO):c.62G>C (p.Arg21Pro)

Gene: RHO (rhodopsin; plus strand). Cytogenetic location: 3q22.1.
Variant type: single nucleotide variant.
Coding change: c.62G>C on transcript NM_000539.3 (MANE Select); coding-DNA position 62, G replaced by C.
Protein change: p.Arg21Pro; replaces arginine 21 with proline.
Molecular consequence: missense variant.
Genome position (GRCh38, 1-based): chr3:129,528,795, G>C. VCF-style: chr3-129528795-G-C. GRCh37 (hg19) VCF-style: chr3-129247638-G-C.
Other names: short protein forms R21P.
Identifiers: ClinVar variation 2012817 (VCV002012817.4), dbSNP rs552455660, ClinGen allele CA354495457.

ClinVar aggregate classification (germline): Uncertain significance (1 of 4 stars; one submission).

Submission:

Labcorp Genetics (formerly Invitae), Labcorp
Classification: Uncertain significance. Last evaluated: 2022-07-12. Review status: criteria provided, single submitter. Criteria: Invitae Variant Classification Sherloc (09022015). Collection method: clinical testing. Allele origin: germline.
Comment: This missense change has been observed in individual(s) with autosomal dominant inherited retinal dystrophy (Invitae). This variant is not present in population databases (gnomAD no frequency). This sequence change replaces arginine, which is basic and polar, with proline, which is neutral and non-polar, at codon 21 of the RHO protein (p.Arg21Pro). Advanced modeling of protein sequence and biophysical properties (such as structural, functional, and spatial information, amino acid conservation, physicochemical variation, residue mobility, and thermodynamic stability) performed at Invitae indicates that this missense variant is not expected to disrupt RHO protein function. In summary, the available evidence is currently insufficient to determine the role of this variant in disease. Therefore, it has been classified as a Variant of Uncertain Significance. This variant disrupts the p.Arg21 amino acid residue in RHO. Other variant(s) that disrupt this residue have been observed in individuals with RHO-related conditions (PMID: 25221422), which suggests that this may be a clinically significant amino acid residue.

Literature cited by the submitters: PubMed 25221422.